The following is an entry in ClinVar:

NM_003282.4(TNNI2):c.326G>A (p.Arg109Gln)

Gene: TNNI2 (troponin I2, fast skeletal type; plus strand). Cytogenetic location: 11p15.5.
Variant type: single nucleotide variant.
Coding change: c.326G>A on transcript NM_003282.4 (MANE Select); coding-DNA position 326, G replaced by A.
Protein change: p.Arg109Gln; replaces arginine 109 with glutamine.
Molecular consequence: missense variant.
Genome position (GRCh38, 1-based): chr11:1,841,080, G>A. VCF-style: chr11-1841080-G-A. GRCh37 (hg19) VCF-style: chr11-1862310-G-A.
Other names: c.326G>A, p.Arg109Gln (NM_001145829.2, NM_001145841.2); short protein forms R109Q.
Identifiers: ClinVar variation 2505679 (VCV002505679.1), dbSNP rs2493965691, ClinGen allele CA379106516.

ClinVar aggregate classification (germline): Uncertain significance (1 of 4 stars; one submission).

Allele frequency attached by ClinVar (database versions not stated): gnomAD exomes below 0.00001.

Submission:

GeneDx
Classification: Uncertain significance. Last evaluated: 2022-12-17. Review status: criteria provided, single submitter. Criteria: GeneDx Variant Classification Process June 2021. Collection method: clinical testing. Allele origin: germline. Affected: yes.
Comment: Not observed at significant frequency in large population cohorts (gnomAD); In silico analysis supports that this missense variant has a deleterious effect on protein structure/function; Has not been previously published as pathogenic or benign to our knowledge